The following is an entry in ClinVar:

NM_000044.6(AR):c.1440dup (p.Tyr481fs)

Gene: AR (androgen receptor; plus strand). Cytogenetic location: Xq12.
Variant type: Duplication.
Coding change: c.1440dup on transcript NM_000044.6 (MANE Select); coding-DNA position 1440, one base duplicated (C; older notation c.1440dupC).
Protein change: p.Tyr481fs; shifts the reading frame from tyrosine 481.
Molecular consequence: frameshift variant. On other transcripts: 5 prime UTR variant (1).
Genome position (GRCh38, 1-based): chrX:67,546,586, C duplicated; the last of 5 consecutive C bases (chrX:67,546,582-67,546,586); duplicating any one gives the same sequence. VCF-style (leftmost placement, unchanged base first): chrX-67546581-G-GC. GRCh37 (hg19) VCF-style: chrX-66766423-G-GC.
Other names: c.-344dup (NM_001011645.3); c.1440dup, p.Tyr481fs (NM_001348061.1, NM_001348063.1, NM_001348064.1); short protein forms Y481fs.
Identifiers: ClinVar variation 464787 (VCV000464787.7), dbSNP rs1555970004, ClinGen allele CA658659001.

ClinVar aggregate classification (germline): Pathogenic (1 of 4 stars; one submission).

Conditions:
Androgen resistance syndrome (AIS). Also called: ANDROGEN RECEPTOR DEFICIENCY; DIHYDROTESTOSTERONE RECEPTOR DEFICIENCY; Androgen insensitivity syndrome; TESTICULAR FEMINIZATION SYNDROME; Androgen insensitivity; Androgen insensitivity syndrome due to coactivator deficiency. Identifiers: Orphanet 754, Orphanet 99429, MedGen C0039585, MONDO:0019154, OMIM 300068. Disease mechanism: loss of function.
Kennedy disease (SMAX1). Also called: SPINAL AND BULBAR MUSCULAR ATROPHY, X-LINKED 1; Spinal and Bulbar Muscular Atrophy; KENNEDY SPINAL AND BULBAR MUSCULAR ATROPHY. Identifiers: Orphanet 481, MedGen C1839259, MONDO:0010735, OMIM 313200.

Submission:

Labcorp Genetics (formerly Invitae), Labcorp
Classification: Pathogenic for Kennedy disease; Androgen resistance syndrome. Last evaluated: 2026-01-18. Review status: criteria provided, single submitter. Criteria: Invitae Variant Classification Sherloc (09022015). Collection method: clinical testing. Allele origin: germline.
Comment: This sequence change creates a premature translational stop signal (p.Tyr481Leufs*21) in the AR gene. It is expected to result in an absent or disrupted protein product. Loss-of-function variants in AR are known to be pathogenic (PMID: 19463997). This variant is not present in population databases (gnomAD no frequency). This variant has not been reported in the literature in individuals affected with AR-related conditions. ClinVar contains an entry for this variant (Variation ID: 464787). For these reasons, this variant has been classified as Pathogenic.

Literature cited by the submitters: PubMed 19463997.